The following is an entry in ClinVar:

ClinVar aggregate classification (germline): Conflicting classifications of pathogenicity. Review status: criteria provided, conflicting classifications (1 of 4 stars). 3 submissions from 3 submitters: Uncertain significance (1); Benign (1). 1 of the submissions does not count toward it. Last evaluated 2024-10-03.

Conditions:
COL11A2-related disorder. Also called: COL11A2-related condition; COL11A2-related disorders.
Inborn genetic diseases. Identifiers: MedGen C0950123, MeSH D030342.

gnomAD v4.1: 11 of 1,613,984 alleles (0.00068%); highest among the groups gnomAD compares: African/African-American, 0.0027%; no homozygotes.

Submissions (3):

Ambry Genetics
Classification: Uncertain significance for Inborn genetic diseases. Last evaluated: 2024-10-03. Review status: criteria provided, single submitter. Criteria: Ambry Variant Classification Scheme 2023. Collection method: clinical testing. Allele origin: germline.

Labcorp Genetics (formerly Invitae), Labcorp
Classification: Benign. Last evaluated: 2024-03-14. Review status: criteria provided, single submitter. Criteria: Invitae Variant Classification Sherloc (09022015). Collection method: clinical testing. Allele origin: germline.

PreventionGenetics, part of Exact Sciences
Classification: Uncertain significance for COL11A2-related condition. Last evaluated: 2024-09-10. Review status: no assertion criteria provided. Collection method: clinical testing. Allele origin: germline. Not counted in ClinVar's aggregate classification.
Comment: The COL11A2 c.3211C>T variant is predicted to result in the amino acid substitution p.Pro1071Ser. To our knowledge, this variant has not been reported in the literature. This variant is reported in 0.012% of alleles in individuals of African descent in gnomAD. At this time, the clinical significance of this variant is uncertain due to the absence of conclusive functional and genetic evidence.

NM_080680.3(COL11A2):c.3211C>T (p.Pro1071Ser)

Gene: COL11A2 (collagen type XI alpha 2 chain; minus strand). Cytogenetic location: 6p21.32.
Variant type: single nucleotide variant.
Coding change: c.3211C>T on transcript NM_080680.3 (MANE Select); coding-DNA position 3211, C replaced by T.
Protein change: p.Pro1071Ser; replaces proline 1071 with serine.
Molecular consequence: missense variant.
Genome position (GRCh38, 1-based): chr6:33,171,514, G>A on the plus strand (C>T on the coding strand, the complement: COL11A2 is on the minus strand). VCF-style: chr6-33171514-G-A. GRCh37 (hg19) VCF-style: chr6-33139291-G-A.
Other names: c.3031C>T, p.Pro1011Ser (NM_001424108.1); c.2365C>T, p.Pro789Ser (NM_001424109.1); c.2185C>T, p.Pro729Ser (NM_001424110.1, NM_001424111.1); c.1165C>T, p.Pro389Ser (NM_001424112.1); c.2890C>T, p.Pro964Ser (NM_080679.3); c.2953C>T, p.Pro985Ser (NM_080681.3); short protein forms P1011S, P1071S, P389S, P729S, P789S, P964S, P985S.
Identifiers: ClinVar variation 3345388 (VCV003345388.4).
Genomic context (GRCh38, chr6:33,171,514, plus strand): 5'-GGGGTCCCCTCACCTTGTCTCCATCCTCTCCAGCCACACCTGGAGGCCCAGCAGGACCAG[G>A]AAGCCCCACAGGACCCTGCACTCCATCTCGGCCAGTCGGGCCAATGGGGCCCTTCTCACC-3'
Protein context (NP_542411.2, residues 1061-1081): RDGVQGPVGL[Pro1071Ser]GPAGPPGVAG